The following is an entry in ClinVar:

ClinVar aggregate classification (germline): Conflicting classifications of pathogenicity. Review status: criteria provided, conflicting classifications (1 of 4 stars). 10 submissions from 10 submitters: Uncertain significance (6); Benign (2); Likely benign (2). Last evaluated 2026-05-06.

Conditions:
Lynch syndrome 4 (LYNCH4). Also called: Colorectal cancer, hereditary nonpolyposis, type 4; Hereditary non-polyposis colorectal cancer, type 4. Identifiers: Orphanet 144, MedGen C1838333, MONDO:0013699, OMIM 614337. Disease mechanism: loss of function.
Mismatch repair cancer syndrome 4. Identifiers: MedGen C5436817, MONDO:0030843, OMIM 619101.
PMS2-related disorder. Also called: PMS2-related condition.
Hereditary nonpolyposis colorectal neoplasms. Identifiers: MedGen C0009405, MeSH D003123.
Hereditary cancer-predisposing syndrome. Also called: Neoplastic Syndromes, Hereditary; Tumor predisposition; Hereditary Cancer Syndrome; Hereditary neoplastic syndrome. Identifiers: Orphanet 140162, MedGen C0027672, MeSH D009386, MONDO:0015356.

Allele frequency attached by ClinVar (database versions not stated): ExAC 0.00001; gnomAD exomes 0.00001 and 0.00002; ESP Exome Variant Server 0.00008; gnomAD 0.00009 and 0.00011; TOPMed 0.00013.
gnomAD v4.1: 27 of 1,613,886 alleles (0.0017%); highest among the groups gnomAD compares: African/African-American, 0.032%; no homozygotes.

Submissions (10):

Women's Health and Genetics/Laboratory Corporation of America, LabCorp
Classification: Likely benign. Last evaluated: 2026-05-06. Review status: criteria provided, single submitter. Criteria: LabCorp Variant Classification Summary - May 2015. Collection method: clinical testing. Allele origin: germline.
Comment: Variant summary: PMS2 c.1555T>C (p.Tyr519His) results in a conservative amino acid change in the encoded protein sequence. Algorithms developed to predict the effect of missense changes on protein structure and function all suggest that this variant is likely to be tolerated. The variant allele was found at a frequency of 1.7e-05 in 1613886 control chromosomes, predominantly at a frequency of 0.00032 within the African or African-American subpopulation in the gnomAD database. The observed variant frequency within African or African-American control individuals in the gnomAD database exceeds the estimated maximal expected allele frequency for disease-causing variants in PMS2. However, this observation needs to be cautiously considered since sequence alignment analysis suggests that the variant lies within a region of the gene that has high homology with the PMS2 pseudogene. c.1555T>C has been reported in the literature in at least one individual with early-onset colorectal cancer (e.g., Yildiz_2023). However, these report(s) do not provide unequivocal conclusions about association of the variant with Hereditary Nonpolyposis Colorectal Cancer. To our knowledge, no experimental evidence demonstrating an impact on protein function has been reported. The following publication has been ascertained in the context of this evaluation (PMID: 37965459). ClinVar contains an entry for this variant (Variation ID: 216451). Based on the evidence outlined above, the variant was classified as likely benign.

Labcorp Genetics (formerly Invitae), Labcorp
Classification: Benign for Hereditary nonpolyposis colorectal neoplasms. Last evaluated: 2026-01-25. Review status: criteria provided, single submitter. Criteria: Invitae Variant Classification Sherloc (09022015). Collection method: clinical testing. Allele origin: germline.

PreventionGenetics, part of Exact Sciences
Classification: Uncertain significance for PMS2-related condition. Last evaluated: 2025-05-28. Review status: criteria provided, single submitter. Criteria: ACMG Guidelines, 2015. Collection method: clinical testing. Allele origin: germline.
Comment: The PMS2 c.1555T>C variant is predicted to result in the amino acid substitution p.Tyr519His. To our knowledge, this variant has not been reported in the literature. This variant is reported in 0.028% of alleles in individuals of African descent in gnomAD. This variant has conflicting interpretations regarding its pathogenicity in ClinVar, ranging from likely benign to uncertain. At this time, the clinical significance of this variant is uncertain due to the absence of conclusive functional and genetic evidence.

Color Diagnostics, LLC DBA Color Health
Classification: Benign for Hereditary cancer-predisposing syndrome. Last evaluated: 2024-10-17. Review status: criteria provided, single submitter. Criteria: ACMG Guidelines, 2015. Collection method: clinical testing. Allele origin: germline.

Quest Diagnostics Nichols Institute San Juan Capistrano
Classification: Uncertain significance. Last evaluated: 2024-07-30. Review status: criteria provided, single submitter. Criteria: Quest Diagnostics criteria. Collection method: clinical testing. Allele origin: unknown.
Comment: The PMS2 c.1555T>C (p.Tyr519His) variant has been reported in the published literature in an individual with early-onset colorectal cancer (PMID: 37965459 (2023)). The frequency of this variant in the general population, 0.00028 (7/24922 chromosomes (Genome Aggregation Database)), is uninformative in the assessment of its pathogenicity. Analysis of this variant using bioinformatics tools for the prediction of the effect of amino acid changes on protein structure and function yielded predictions that this variant is benign. Based on the available information, we are unable to determine the clinical significance of this variant.

GeneDx
Classification: Uncertain significance. Last evaluated: 2024-06-13. Review status: criteria provided, single submitter. Criteria: GeneDx Variant Classification Process June 2021. Collection method: clinical testing. Allele origin: germline. Affected: yes.
Comment: In silico analysis indicates that this missense variant does not alter protein structure/function; Observed in a patient with colorectal cancer (PMID: 37965459); This variant is associated with the following publications: (PMID: 37965459)

Fulgent Genetics
Classification: Uncertain significance for Lynch syndrome 4; Mismatch repair cancer syndrome 4. Last evaluated: 2024-04-26. Review status: criteria provided, single submitter. Criteria: ACMG Guidelines, 2015. Collection method: clinical testing. Allele origin: germline.

Ambry Genetics
Classification: Likely benign for Hereditary cancer-predisposing syndrome. Last evaluated: 2024-03-05. Review status: criteria provided, single submitter. Criteria: Ambry Variant Classification Scheme 2023. Collection method: clinical testing. Allele origin: germline.

Blueprint Genetics
Classification: Uncertain significance. Last evaluated: 2022-08-11. Review status: criteria provided, single submitter. Criteria: ACMG Guidelines, 2015. Collection method: clinical testing. Allele origin: germline.

Mendelics
Classification: Uncertain significance for Lynch syndrome 4. Last evaluated: 2019-05-28. Review status: criteria provided, single submitter. Criteria: Mendelics Assertion Criteria 2017. Collection method: clinical testing. Allele origin: unknown.

Literature cited by the submitters: PubMed 37965459 (cited by Women's Health and Genetics/Laboratory Corporation of America, LabCorp and Quest Diagnostics Nichols Institute San Juan Capistrano).

NM_000535.7(PMS2):c.1555T>C (p.Tyr519His)

Gene: PMS2 (PMS1 homolog 2, mismatch repair system component; minus strand). Cytogenetic location: 7p22.1.
Variant type: single nucleotide variant.
Coding change: c.1555T>C on transcript NM_000535.7 (MANE Select); coding-DNA position 1555, T replaced by C.
Protein change: p.Tyr519His; replaces tyrosine 519 with histidine.
Molecular consequence: missense variant. On other transcripts: non-coding transcript variant (1).
Genome position (GRCh38, 1-based): chr7:5,987,210, A>G on the plus strand (T>C on the coding strand, the complement: PMS2 is on the minus strand). VCF-style: chr7-5987210-A-G. GRCh37 (hg19) VCF-style: chr7-6026841-A-G.
Other names: c.1150T>C, p.Tyr384His (NM_001322003.2, NM_001322004.2, NM_001322005.2 and 1 more transcripts); c.1399T>C, p.Tyr467His (NM_001322006.2); c.1237T>C, p.Tyr413His (NM_001322007.2, NM_001322008.2); c.994T>C, p.Tyr332His (NM_001322010.2); c.622T>C, p.Tyr208His (NM_001322011.2, NM_001322012.2); c.982T>C, p.Tyr328His (NM_001322013.2); c.1555T>C, p.Tyr519His (NM_001322014.2); c.1246T>C, p.Tyr416His (NM_001322015.2); short protein forms Y519H, Y467H, Y328H, Y416H, Y332H, Y413H, Y208H, Y384H.
Identifiers: ClinVar variation 216451 (VCV000216451.33), dbSNP rs370236216, ClinGen allele CA044339.
Genomic context (GRCh38, chr7:5,987,210, plus strand): 5'-CTTTCTCCTGAGAGTCCACATGTTCCTGCGAGCCCCTGTCCCCTGGGGAGCTGGCCGCAT[A>G]CTCGCTGCTGCAGTGACTGCCCGTGTCTGGGATGCTGAACCCCTCAGAATCCACGGAAGT-3'
Protein context (NP_000526.2, residues 509-529): PDTGSHCSSE[Tyr519His]AASSPGDRGS